The following is an entry in ClinVar:

ClinVar aggregate classification (germline): Uncertain significance (1 of 4 stars; one submission).

Allele frequency attached by ClinVar (database versions not stated): gnomAD 0.00003; TOPMed 0.00005.
gnomAD v4.1: 42 of 1,613,332 alleles (0.0026%); highest among the groups gnomAD compares: Middle Eastern, 0.049%; no homozygotes.

Submission:

Women's Health and Genetics/Laboratory Corporation of America, LabCorp
Classification: Uncertain significance. Last evaluated: 2025-06-27. Review status: criteria provided, single submitter. Criteria: LabCorp Variant Classification Summary - May 2015. Collection method: clinical testing. Allele origin: germline.
Comment: Variant summary: ACAN c.5317C>A (p.Leu1773Ile) results in a conservative amino acid change in the encoded protein sequence. Algorithms developed to predict the effect of missense changes on protein structure and function all suggest that this variant is likely to be tolerated. The variant allele was found at a frequency of 3.6e-05 in 249212 control chromosomes. The available data on variant occurrences in the general population are insufficient to allow any conclusion about variant significance. To our knowledge, no occurrence of c.5317C>A in individuals affected with ACAN-Related Disorders and no experimental evidence demonstrating its impact on protein function have been reported. ClinVar contains an entry for this variant (Variation ID: 2691352). Based on the evidence outlined above, the variant was classified as uncertain significance.

NM_001369268.1(ACAN):c.5317C>A (p.Leu1773Ile)

Gene: ACAN (aggrecan; plus strand). Cytogenetic location: 15q26.1.
Variant type: single nucleotide variant.
Coding change: c.5317C>A on transcript NM_001369268.1 (MANE Select); coding-DNA position 5317, C replaced by A.
Protein change: p.Leu1773Ile; replaces leucine 1773 with isoleucine.
Molecular consequence: missense variant.
Genome position (GRCh38, 1-based): chr15:88,857,902, C>A. VCF-style: chr15-88857902-C-A. GRCh37 (hg19) VCF-style: chr15-89401133-C-A.
Other names: c.5317C>A, p.Leu1773Ile (NM_001135.4, NM_001411096.1, NM_001411097.1 and 1 more transcripts); short protein forms L1773I.
Identifiers: ClinVar variation 2691352 (VCV002691352.2), dbSNP rs767359295, ClinGen allele CA7720184.